The following is an entry in ClinVar:

ClinVar aggregate classification (germline): Uncertain significance (0 of 4 stars; one submission).

Submission:

Department of Pathology and Laboratory Medicine, Sinai Health System
Classification: Uncertain significance. Review status: no assertion criteria provided. Collection method: clinical testing. Allele origin: unknown. Affected: yes. Study: The Canadian Open Genetics Repository (COGR).
Comment: The MAP2K2 p.Ile18Phe variant was not identified in the literature nor was it identified in dbSNP, ClinVar, Cosmic, LOVD 3.0 or in the following control databases: the 1000 Genomes Project, the NHLBI GO Exome Sequencing Project, the Exome Aggregation Consortium (August 8th 2016), or the Genome Aggregation Database (Feb 27, 2017). The p.Ile18 residue is conserved in mammals but not in more distantly related organisms however four out of five computational analyses (PolyPhen-2, SIFT, AlignGVGD, BLOSUM, MutationTaster) do not suggest a high likelihood of impact to the protein; this information is not predictive enough to rule out pathogenicity. The variant occurs outside of the splicing consensus sequence and in silico or computational prediction software programs (SpliceSiteFinder, MaxEntScan, NNSPLICE, GeneSplicer) do not predict a difference in splicing at the variant location. In summary, based on the above information the clinical significance of this variant cannot be determined with certainty at this time. This variant is classified as a variant of uncertain significance.

NM_030662.4(MAP2K2):c.52A>T (p.Ile18Phe)

Genes: MAP2K2 (mitogen-activated protein kinase kinase 2; minus strand), LOC130063193 (ATAC-STARR-seq lymphoblastoid silent region 9881; plus strand). Cytogenetic location: 19p13.3.
Variant type: single nucleotide variant.
Coding change: c.52A>T on transcript NM_030662.4 (MANE Select); coding-DNA position 52, A replaced by T.
Protein change: p.Ile18Phe; replaces isoleucine 18 with phenylalanine.
Molecular consequence: missense variant.
Genome position (GRCh38, 1-based): chr19:4,123,824, T>A on the plus strand (A>T on the coding strand, the complement: MAP2K2 is on the minus strand). VCF-style: chr19-4123824-T-A. GRCh37 (hg19) VCF-style: chr19-4123821-T-A.
Other names: short protein forms I18F.
Identifiers: ClinVar variation 1050111 (VCV001050111.1), dbSNP rs774968670, ClinGen allele CA403395995.